The following is an entry in ClinVar:

NM_000234.3(LIG1):c.2317G>A (p.Gly773Ser)

Gene: LIG1 (DNA ligase 1; minus strand). Cytogenetic location: 19q13.33.
Variant type: single nucleotide variant.
Coding change: c.2317G>A on transcript NM_000234.3 (MANE Select); coding-DNA position 2317, G replaced by A.
Protein change: p.Gly773Ser; replaces glycine 773 with serine.
Molecular consequence: missense variant. On other transcripts: non-coding transcript variant (6).
Genome position (GRCh38, 1-based): chr19:48,121,238, C>T on the plus strand (G>A on the coding strand, the complement: LIG1 is on the minus strand). VCF-style: chr19-48121238-C-T. GRCh37 (hg19) VCF-style: chr19-48624495-C-T.
Other names: c.2224G>A, p.Gly742Ser (NM_001289063.2); c.2113G>A, p.Gly705Ser (NM_001289064.2); c.2314G>A, p.Gly772Ser (NM_001320970.2); c.2227G>A, p.Gly743Ser (NM_001320971.2); short protein forms G705S, G773S, G743S, G742S, G772S.
Identifiers: ClinVar variation 1462806 (VCV001462806.4), dbSNP rs751418904, ClinGen allele CA9546462.

ClinVar aggregate classification (germline): Uncertain significance (1 of 4 stars; one submission).

Allele frequency attached by ClinVar (database versions not stated): ExAC 0.00001; gnomAD 0.00001; gnomAD exomes 0.00001; TOPMed 0.00001.
gnomAD v4.1: 22 of 1,613,848 alleles (0.0014%); highest among the groups gnomAD compares: Admixed American, 0.0033%; no homozygotes.

Submission:

Labcorp Genetics (formerly Invitae), Labcorp
Classification: Uncertain significance. Last evaluated: 2024-04-15. Review status: criteria provided, single submitter. Criteria: Invitae Variant Classification Sherloc (09022015). Collection method: clinical testing. Allele origin: germline.
Comment: This sequence change replaces glycine, which is neutral and non-polar, with serine, which is neutral and polar, at codon 773 of the LIG1 protein (p.Gly773Ser). This variant is present in population databases (rs751418904, gnomAD 0.004%). This variant has not been reported in the literature in individuals affected with LIG1-related conditions. ClinVar contains an entry for this variant (Variation ID: 1462806). An algorithm developed to predict the effect of missense changes on protein structure and function (PolyPhen-2) suggests that this variant is likely to be disruptive. In summary, the available evidence is currently insufficient to determine the role of this variant in disease. Therefore, it has been classified as a Variant of Uncertain Significance.